The following is an entry in ClinVar:

ClinVar aggregate classification (germline): Uncertain significance (1 of 4 stars; one submission).

Submission:

Labcorp Genetics (formerly Invitae), Labcorp
Classification: Uncertain significance. Last evaluated: 2025-09-11. Review status: criteria provided, single submitter. Criteria: Invitae Variant Classification Sherloc (09022015). Collection method: clinical testing. Allele origin: germline.
Comment: This sequence change replaces glycine, which is neutral and non-polar, with alanine, which is neutral and non-polar, at codon 6 of the RHO protein (p.Gly6Ala). This variant is not present in population databases (gnomAD no frequency). This variant has not been reported in the literature in individuals affected with RHO-related conditions. Invitae Evidence Modeling of protein sequence and biophysical properties (such as structural, functional, and spatial information, amino acid conservation, physicochemical variation, residue mobility, and thermodynamic stability) indicates that this missense variant is expected to disrupt RHO protein function with a positive predictive value of 95%. In summary, the available evidence is currently insufficient to determine the role of this variant in disease. Therefore, it has been classified as a Variant of Uncertain Significance.

NM_000539.3(RHO):c.17G>C (p.Gly6Ala)

Gene: RHO (rhodopsin; plus strand). Cytogenetic location: 3q22.1.
Variant type: single nucleotide variant.
Coding change: c.17G>C on transcript NM_000539.3 (MANE Select); coding-DNA position 17, G replaced by C.
Protein change: p.Gly6Ala; replaces glycine 6 with alanine.
Molecular consequence: missense variant.
Genome position (GRCh38, 1-based): chr3:129,528,750, G>C. VCF-style: chr3-129528750-G-C. GRCh37 (hg19) VCF-style: chr3-129247593-G-C.
Other names: short protein forms G6A.
Identifiers: ClinVar variation 4710030 (VCV004710030.1).